The following is an entry in ClinVar:

ClinVar aggregate classification (germline): Uncertain significance (1 of 4 stars; one submission).

Allele frequency attached by ClinVar (database versions not stated): ExAC 0.00001; gnomAD exomes 0.00002; TOPMed 0.00002; gnomAD 0.00003 and 0.00004.

Submission:

Labcorp Genetics (formerly Invitae), Labcorp
Classification: Uncertain significance. Last evaluated: 2025-01-13. Review status: criteria provided, single submitter. Criteria: Invitae Variant Classification Sherloc (09022015). Collection method: clinical testing. Allele origin: germline.
Comment: This sequence change replaces arginine, which is basic and polar, with cysteine, which is neutral and slightly polar, at codon 1406 of the KIAA1549 protein (p.Arg1406Cys). This variant is present in population databases (rs776957854, gnomAD 0.007%). This variant has not been reported in the literature in individuals affected with KIAA1549-related conditions. ClinVar contains an entry for this variant (Variation ID: 1017070). An algorithm developed to predict the effect of missense changes on protein structure and function (PolyPhen-2) suggests that this variant is likely to be disruptive. In summary, the available evidence is currently insufficient to determine the role of this variant in disease. Therefore, it has been classified as a Variant of Uncertain Significance.

NM_001164665.2(KIAA1549):c.4216C>T (p.Arg1406Cys)

Gene: KIAA1549 (KIAA1549; minus strand). Cytogenetic location: 7q34.
Variant type: single nucleotide variant.
Coding change: c.4216C>T on transcript NM_001164665.2 (MANE Select); coding-DNA position 4216, C replaced by T.
Protein change: p.Arg1406Cys; replaces arginine 1406 with cysteine.
Molecular consequence: missense variant.
Genome position (GRCh38, 1-based): chr7:138,881,401, G>A on the plus strand (C>T on the coding strand, the complement: KIAA1549 is on the minus strand). VCF-style: chr7-138881401-G-A. GRCh37 (hg19) VCF-style: chr7-138566147-G-A.
Other names: c.4216C>T, p.Arg1406Cys (NM_020910.3); short protein forms R1406C.
Identifiers: ClinVar variation 1017070 (VCV001017070.8), dbSNP rs776957854, ClinGen allele CA4505976.
Genomic context (GRCh38, chr7:138,881,401, plus strand): 5'-GAAGCATGCTCTGCAACAAAGAATAATACAGAAAGCCCAATAATAACCTTCCTCTGTGAC[G>A]AACATTCTTGGAAGGGATCTTTGACTTGGGGCTTGGCACGTCTCCATTTTCCGAGGGCGT-3'
Protein context (NP_001158137.1, residues 1396-1416): PKSKIPSKNV[Arg1406Cys]HRGRVSPSDA